The following is an entry in ClinVar:

ClinVar aggregate classification (germline): Conflicting classifications of pathogenicity. Review status: criteria provided, conflicting classifications (1 of 4 stars). 10 submissions from 10 submitters: Uncertain significance (1); Benign (2); Likely benign (5). 2 of the submissions do not count toward it. Last evaluated 2026-01-24.

Conditions:
APC-related disorder. Also called: APC-related condition.
Hereditary cancer-predisposing syndrome. Also called: Tumor predisposition; Hereditary Cancer Syndrome; Hereditary neoplastic syndrome; Neoplastic Syndromes, Hereditary. Identifiers: Orphanet 140162, MedGen C0027672, MeSH D009386, MONDO:0015356.
Classic or attenuated familial adenomatous polyposis. Identifiers: MedGen CN372698, MONDO:0021057.
Familial adenomatous polyposis 1 (FAP1). Also called: FAMILIAL ADENOMATOUS POLYPOSIS 1, ATTENUATED; POLYPOSIS, ADENOMATOUS INTESTINAL. Identifiers: MedGen C2713442, MONDO:0021056, OMIM 175100. Disease mechanism: loss of function.

Allele frequency attached by ClinVar (database versions not stated): ExAC 0.00001; gnomAD exomes 0.00001 and 0.00006; TOPMed 0.00001.
gnomAD v4.1: 88 of 1,614,230 alleles (0.0055%); highest among the groups gnomAD compares: Non-Finnish European, 0.0073%; no homozygotes.

Submissions (10):

Labcorp Genetics (formerly Invitae), Labcorp
Classification: Likely benign for Familial adenomatous polyposis 1. Last evaluated: 2026-01-24. Review status: criteria provided, single submitter. Criteria: Invitae Variant Classification Sherloc (09022015). Collection method: clinical testing. Allele origin: germline.

All of Us Research Program, National Institutes of Health
Classification: Likely benign for Classic or attenuated familial adenomatous polyposis. Last evaluated: 2023-12-13. Review status: criteria provided, single submitter. Criteria: ACMG Guidelines, 2015. Collection method: clinical testing. Allele origin: germline. Inheritance: Autosomal dominant inheritance. Observed: 4 variant alleles, 4 heterozygotes.
Comment: This study involves interpretation of variants in research participants for the purpose of population health screening. Participant phenotype was not available at the time of variant classification. Additional details can be found in publication PMID: 35346344, PMCID: PMC8962531

Quest Diagnostics Nichols Institute San Juan Capistrano
Classification: Uncertain significance. Last evaluated: 2023-05-12. Review status: criteria provided, single submitter. Criteria: Quest Diagnostics criteria. Collection method: clinical testing. Allele origin: unknown.
Comment: To the best of our knowledge, the variant has not been reported in the published literature. The frequency of this variant in the general population, 0.000008 (2/250982 chromosomes), is uninformative in assessment of its pathogenicity. Analysis of this variant using software algorithms for the prediction of the effect of nucleotide changes on APC mRNA splicing yielded predictions that this variant may result in the gain of a cryptic splice site without affecting the natural splice sites. Based on the available information, we are unable to determine the clinical significance of this variant.

Myriad Genetics, Inc.
Classification: Benign for Familial adenomatous polyposis 1. Last evaluated: 2023-02-17. Review status: criteria provided, single submitter. Criteria: Myriad Autosomal Dominant, Autosomal Recessive and X-Linked Classification Criteria (2023). Collection method: clinical testing. Allele origin: unknown.
Comment: This variant is considered benign. This variant is a silent/synonymous amino acid change and it is not expected to impact splicing.

Women's Health and Genetics/Laboratory Corporation of America, LabCorp
Classification: Likely benign. Last evaluated: 2019-09-03. Review status: criteria provided, single submitter. Criteria: LabCorp Variant Classification Summary - May 2015. Collection method: clinical testing. Allele origin: germline.

Color Diagnostics, LLC DBA Color Health
Classification: Likely benign for Hereditary cancer-predisposing syndrome. Last evaluated: 2017-03-20. Review status: criteria provided, single submitter. Criteria: ACMG Guidelines, 2015. Collection method: clinical testing. Allele origin: germline.

GeneDx
Classification: Benign. Last evaluated: 2015-06-30. Review status: criteria provided, single submitter. Criteria: GeneDx Variant Classification (06012015). Collection method: clinical testing. Allele origin: germline. Affected: yes.
Comment: This variant is considered likely benign or benign based on one or more of the following criteria: it is a conservative change, it occurs at a poorly conserved position in the protein, it is predicted to be benign by multiple in silico algorithms, and/or has population frequency not consistent with disease.

Ambry Genetics
Classification: Likely benign for Hereditary cancer-predisposing syndrome. Last evaluated: 2015-03-04. Review status: criteria provided, single submitter. Criteria: Ambry Variant Classification Scheme 2023. Collection method: clinical testing. Allele origin: germline.

PreventionGenetics, part of Exact Sciences
Classification: Likely benign for APC-related condition. Last evaluated: 2020-07-02. Review status: no assertion criteria provided. Collection method: clinical testing. Allele origin: germline. Not counted in ClinVar's aggregate classification.
Comment: This variant is classified as likely benign based on ACMG/AMP sequence variant interpretation guidelines (Richards et al. 2015 PMID: 25741868, with internal and published modifications).

Counsyl
Classification: Likely benign for Familial adenomatous polyposis 1. Last evaluated: 2016-11-01. Review status: no assertion criteria provided. Collection method: clinical testing. Allele origin: unknown. Not counted in ClinVar's aggregate classification.

NM_000038.6(APC):c.3909A>G (p.Gln1303=)

Gene: APC (APC regulator of Wnt signaling pathway; plus strand). Cytogenetic location: 5q22.2.
Variant type: single nucleotide variant.
Coding change: c.3909A>G on transcript NM_000038.6 (MANE Select); coding-DNA position 3909, A replaced by G.
Protein change: p.Gln1303=; no amino-acid change (glutamine 1303 retained).
Molecular consequence: synonymous variant.
Genome position (GRCh38, 1-based): chr5:112,839,503, A>G. VCF-style: chr5-112839503-A-G. GRCh37 (hg19) VCF-style: chr5-112175200-A-G.
Other names: c.3909A>G, p.Gln1303= (NM_001127510.3, NM_001354895.2); c.3855A>G, p.Gln1285= (NM_001127511.3); c.3963A>G, p.Gln1321= (NM_001354896.2); c.3939A>G, p.Gln1313= (NM_001354897.2); c.3834A>G, p.Gln1278= (NM_001354898.2); c.3825A>G, p.Gln1275= (NM_001354899.2); c.3786A>G, p.Gln1262= (NM_001354900.2); c.3732A>G, p.Gln1244= (NM_001354901.2); and 5 more.
Identifiers: ClinVar variation 184023 (VCV000184023.25), dbSNP rs746289994, ClinGen allele CA008747.